The following is an entry in ClinVar:

ClinVar aggregate classification (germline): Uncertain significance (1 of 4 stars; one submission).

Allele frequency attached by ClinVar (database versions not stated): gnomAD exomes 0.00001 and 0.00002; TOPMed 0.00001.
gnomAD v4.1: 3 of 1,211,133 alleles (0.00025%); highest among the groups gnomAD compares: Admixed American, 0.0065%; no homozygotes.

Submission:

Labcorp Genetics (formerly Invitae), Labcorp
Classification: Uncertain significance. Last evaluated: 2025-02-02. Review status: criteria provided, single submitter. Criteria: Invitae Variant Classification Sherloc (09022015). Collection method: clinical testing. Allele origin: germline.
Comment: This sequence change replaces threonine, which is neutral and polar, with asparagine, which is neutral and polar, at codon 1425 of the NEXMIF protein (p.Thr1425Asn). This variant is present in population databases (no rsID available, gnomAD 0.01%), including at least one homozygous and/or hemizygous individual. This variant has not been reported in the literature in individuals affected with NEXMIF-related conditions. ClinVar contains an entry for this variant (Variation ID: 1006016). An algorithm developed to predict the effect of missense changes on protein structure and function (PolyPhen-2) suggests that this variant is likely to be tolerated. In summary, the available evidence is currently insufficient to determine the role of this variant in disease. Therefore, it has been classified as a Variant of Uncertain Significance.

NM_001008537.3(NEXMIF):c.4274C>A (p.Thr1425Asn)

Gene: NEXMIF (neurite extension and migration factor; minus strand). Cytogenetic location: Xq13.3.
Variant type: single nucleotide variant.
Coding change: c.4274C>A on transcript NM_001008537.3 (MANE Select); coding-DNA position 4274, C replaced by A.
Protein change: p.Thr1425Asn; replaces threonine 1425 with asparagine.
Molecular consequence: missense variant.
Genome position (GRCh38, 1-based): chrX:74,740,283, G>T on the plus strand (C>A on the coding strand, the complement: NEXMIF is on the minus strand). VCF-style: chrX-74740283-G-T. GRCh37 (hg19) VCF-style: chrX-73960118-G-T.
Other names: short protein forms T1425N.
Identifiers: ClinVar variation 1006016 (VCV001006016.8), dbSNP rs1311150025, ClinGen allele CA413663651.